The following is an entry in ClinVar:

NM_000179.3(MSH6):c.3736T>G (p.Ser1246Ala)

Gene: MSH6 (mutS homolog 6; plus strand). Cytogenetic location: 2p16.3.
Variant type: single nucleotide variant.
Coding change: c.3736T>G on transcript NM_000179.3 (MANE Select); coding-DNA position 3736, T replaced by G.
Protein change: p.Ser1246Ala; replaces serine 1246 with alanine.
Molecular consequence: missense variant. On other transcripts: non-coding transcript variant (5).
Genome position (GRCh38, 1-based): chr2:47,806,293, T>G. VCF-style: chr2-47806293-T-G. GRCh37 (hg19) VCF-style: chr2-48033432-T-G.
Other names: c.3211T>G, p.Ser1071Ala (NM_001406799.1, NM_001406806.1, NM_001406807.1); c.3562T>G, p.Ser1188Ala (NM_001406798.1); c.3736T>G, p.Ser1246Ala (NM_001406796.1, NM_001406800.1, NM_001406808.1 and 1 more transcripts); c.3439T>G, p.Ser1147Ala (NM_001406797.1, NM_001406801.1, NM_001406805.1 and 10 more transcripts); c.3346T>G, p.Ser1116Ala (NM_001281492.2); c.2830T>G, p.Ser944Ala (NM_001281493.2, NM_001281494.2, NM_001406811.1 and 6 more transcripts); c.3832T>G, p.Ser1278Ala (NM_001406795.1, NM_001406802.1); c.2872T>G, p.Ser958Ala (NM_001406803.1); and 7 more; short protein forms S1071A, S173A, S1116A, S1147A, S1248A, S1278A, S1188A, S195A.
Identifiers: ClinVar variation 3633972 (VCV003633972.2).

ClinVar aggregate classification (germline): Uncertain significance (1 of 4 stars; one submission).

Conditions:
Hereditary nonpolyposis colorectal neoplasms. Identifiers: MedGen C0009405, MeSH D003123.

Submission:

Labcorp Genetics (formerly Invitae), Labcorp
Classification: Uncertain significance for Hereditary nonpolyposis colorectal neoplasms. Last evaluated: 2024-05-16. Review status: criteria provided, single submitter. Criteria: Invitae Variant Classification Sherloc (09022015). Collection method: clinical testing. Allele origin: germline.
Comment: This sequence change replaces serine, which is neutral and polar, with alanine, which is neutral and non-polar, at codon 1246 of the MSH6 protein (p.Ser1246Ala). This variant is not present in population databases (gnomAD no frequency). This variant has not been reported in the literature in individuals affected with MSH6-related conditions. Advanced modeling of protein sequence and biophysical properties (such as structural, functional, and spatial information, amino acid conservation, physicochemical variation, residue mobility, and thermodynamic stability) performed at Invitae indicates that this missense variant is not expected to disrupt MSH6 protein function with a negative predictive value of 95%. In summary, the available evidence is currently insufficient to determine the role of this variant in disease. Therefore, it has been classified as a Variant of Uncertain Significance.